The following is an entry in ClinVar:

NM_015102.5(NPHP4):c.821C>T (p.Pro274Leu)

Gene: NPHP4 (nephrocystin 4; minus strand). Cytogenetic location: 1p36.31.
Variant type: single nucleotide variant.
Coding change: c.821C>T on transcript NM_015102.5 (MANE Select); coding-DNA position 821, C replaced by T.
Protein change: p.Pro274Leu; replaces proline 274 with leucine.
Molecular consequence: missense variant. On other transcripts: 5 prime UTR variant (2), non-coding transcript variant (1).
Genome position (GRCh38, 1-based): chr1:5,948,241, G>A on the plus strand (C>T on the coding strand, the complement: NPHP4 is on the minus strand). VCF-style: chr1-5948241-G-A. GRCh37 (hg19) VCF-style: chr1-6008301-G-A.
Other names: c.-546C>T (NM_001291593.2, NM_001291594.2); short protein forms P274L.
Identifiers: ClinVar variation 593270 (VCV000593270.10), dbSNP rs752624938, ClinGen allele CA338065426.

ClinVar aggregate classification (germline): Uncertain significance. Review status: criteria provided, multiple submitters, no conflicts (2 of 4 stars). 3 submissions from 3 submitters: Uncertain significance (3). Last evaluated 2024-12-02.

Conditions:
Nephronophthisis 4 (NPHP4). Also called: NEPHRONOPHTHISIS 4, JUVENILE. Identifiers: Orphanet 655, MedGen C1847013, MONDO:0011752, OMIM 606966.
Senior-Loken syndrome 4 (SLSN4). Identifiers: Orphanet 3156, MedGen C1846979, MONDO:0011756, OMIM 606996.
Nephronophthisis. Also called: Juvenile Nephronophthisis. Identifiers: Orphanet 655, MedGen C0687120, MONDO:0019005, HP:0000090.

Allele frequency attached by ClinVar (database versions not stated): TOPMed below 0.00001; gnomAD exomes 0.00001.
gnomAD v4.1: 1 of 1,571,016 alleles (0.000064%); highest among the groups gnomAD compares: Admixed American, 0.0018%; no homozygotes.

Submissions (3):

Labcorp Genetics (formerly Invitae), Labcorp
Classification: Uncertain significance for Nephronophthisis. Last evaluated: 2024-12-02. Review status: criteria provided, single submitter. Criteria: Invitae Variant Classification Sherloc (09022015). Collection method: clinical testing. Allele origin: germline.
Comment: This sequence change replaces proline, which is neutral and non-polar, with leucine, which is neutral and non-polar, at codon 274 of the NPHP4 protein (p.Pro274Leu). The frequency data for this variant in the population databases is considered unreliable, as metrics indicate poor data quality at this position in the gnomAD database. This variant has not been reported in the literature in individuals affected with NPHP4-related conditions. ClinVar contains an entry for this variant (Variation ID: 593270). Invitae Evidence Modeling of protein sequence and biophysical properties (such as structural, functional, and spatial information, amino acid conservation, physicochemical variation, residue mobility, and thermodynamic stability) indicates that this missense variant is not expected to disrupt NPHP4 protein function with a negative predictive value of 80%. In summary, the available evidence is currently insufficient to determine the role of this variant in disease. Therefore, it has been classified as a Variant of Uncertain Significance.

Fulgent Genetics
Classification: Uncertain significance for Nephronophthisis 4; Senior-Loken syndrome 4. Last evaluated: 2022-04-30. Review status: criteria provided, single submitter. Criteria: ACMG Guidelines, 2015. Collection method: clinical testing. Allele origin: unknown.

Eurofins Ntd Llc (ga)
Classification: Uncertain significance. Last evaluated: 2017-07-17. Review status: criteria provided, single submitter. Criteria: EGL Classification Definitions 2015. Collection method: clinical testing. Allele origin: germline. Observed: 2 variant alleles, 2 heterozygotes.